The following is an entry in ClinVar:

ClinVar aggregate classification (germline): Uncertain significance (1 of 4 stars; one submission).

Conditions:
Inborn genetic diseases. Identifiers: MedGen C0950123, MeSH D030342.

Submission:

Ambry Genetics
Classification: Uncertain significance for Inborn genetic diseases. Last evaluated: 2023-10-09. Review status: criteria provided, single submitter. Criteria: Ambry Variant Classification Scheme 2023. Collection method: clinical testing. Allele origin: germline.
Comment: The p.M186I variant (also known as c.558G>C), located in coding exon 4 of the ATR gene, results from a G to C substitution at nucleotide position 558. The methionine at codon 186 is replaced by isoleucine, an amino acid with highly similar properties. This amino acid position is conserved. In addition, this alteration is predicted to be tolerated by in silico analysis. Since supporting evidence is limited at this time, the clinical significance of this alteration remains unclear.

NM_001184.4(ATR):c.558G>C (p.Met186Ile)

Gene: ATR (ATR checkpoint kinase; minus strand). Cytogenetic location: 3q23.
Variant type: single nucleotide variant.
Coding change: c.558G>C on transcript NM_001184.4 (MANE Select); coding-DNA position 558, G replaced by C.
Protein change: p.Met186Ile; replaces methionine 186 with isoleucine.
Molecular consequence: missense variant.
Genome position (GRCh38, 1-based): chr3:142,562,844, C>G on the plus strand (G>C on the coding strand, the complement: ATR is on the minus strand). VCF-style: chr3-142562844-C-G. GRCh37 (hg19) VCF-style: chr3-142281686-C-G.
Other names: c.558G>C, p.Met186Ile (NM_001354579.2); short protein forms M186I.
Identifiers: ClinVar variation 3221216 (VCV003221216.1), dbSNP rs2034932948, ClinGen allele CA354826469.